The following is an entry in ClinVar:

ClinVar aggregate classification (germline): Pathogenic (1 of 4 stars; one submission).

Submission:

Labcorp Genetics (formerly Invitae), Labcorp
Classification: Pathogenic. Last evaluated: 2019-07-27. Review status: criteria provided, single submitter. Criteria: Invitae Variant Classification Sherloc (09022015). Collection method: clinical testing. Allele origin: germline.
Comment: This sequence change creates a premature translational stop signal (p.Leu4961Aspfs*2) in the USH2A gene. It is expected to result in an absent or disrupted protein product. This variant is not present in population databases (ExAC no frequency). For these reasons, this variant has been classified as Pathogenic. Loss-of-function variants in USH2A are known to be pathogenic (PMID: 10729113, 10909849, 20507924, 25649381). This variant has not been reported in the literature in individuals with USH2A-related conditions.

Literature cited by the submitters: PubMed 10729113; PubMed 10909849; PubMed 20507924; PubMed 25649381.

NM_206933.4(USH2A):c.14880_14881insGA (p.Leu4961fs)

Gene: USH2A (usherin; minus strand). Cytogenetic location: 1q41.
Variant type: Insertion.
Coding change: c.14880_14881insGA on transcript NM_206933.4 (MANE Select); coding-DNA positions 14880 to 14881, GA inserted.
Protein change: p.Leu4961fs; shifts the reading frame from leucine 4961.
Molecular consequence: frameshift variant.
Genome position: GRCh38 VCF-style: chr1-215640645-G-GTC. GRCh37 (hg19) VCF-style: chr1-215813987-G-GTC.
Other names: short protein forms L4961fs.
Identifiers: ClinVar variation 935948 (VCV000935948.7), dbSNP rs1656647155, ClinGen allele CA1139656547.